The following is an entry in ClinVar:

ClinVar aggregate classification (germline): Uncertain significance (1 of 4 stars; one submission).

Allele frequency attached by ClinVar (database versions not stated): gnomAD exomes below 0.00001.
gnomAD v4.1: 1 of 1,613,974 alleles (0.000062%); highest among the groups gnomAD compares: Non-Finnish European, 0.000085%; no homozygotes.

Submission:

GeneDx
Classification: Uncertain significance. Last evaluated: 2021-05-18. Review status: criteria provided, single submitter. Criteria: GeneDx Variant Classification Process June 2021. Collection method: clinical testing. Allele origin: germline. Affected: yes.
Comment: Not observed in large population cohorts (Lek 2016); In silico analysis supports that this missense variant has a deleterious effect on protein structure/function; Has not been previously published as pathogenic or benign to our knowledge

NM_007194.4(CHEK2):c.293C>A (p.Ala98Asp)

Gene: CHEK2 (checkpoint kinase 2; minus strand). Cytogenetic location: 22q12.1.
Variant type: single nucleotide variant.
Coding change: c.293C>A on transcript NM_007194.4 (MANE Select); coding-DNA position 293, C replaced by A.
Protein change: p.Ala98Asp; replaces alanine 98 with aspartic acid.
Molecular consequence: missense variant.
Genome position (GRCh38, 1-based): chr22:28,734,429, G>T on the plus strand (C>A on the coding strand, the complement: CHEK2 is on the minus strand). VCF-style: chr22-28734429-G-T. GRCh37 (hg19) VCF-style: chr22-29130417-G-T.
Other names: c.293C>A, p.Ala98Asp (NM_001005735.3, NM_001349956.3, NM_145862.3); c.-485C>A (NM_001257387.3); short protein forms A98D.
Identifiers: ClinVar variation 1325994 (VCV001325994.2), dbSNP rs1601851270, ClinGen allele CA411090309.